The following is an entry in ClinVar:

ClinVar aggregate classification (germline): Uncertain significance (1 of 4 stars; one submission).

Conditions:
Cohen syndrome (COH1). Also called: PEPPER SYNDROME; Cutis verticis gyrata, retinitis pigmentosa, and sensorineural deafness. Identifiers: Orphanet 193, MedGen C0265223, MONDO:0008999, OMIM 216550.

Submission:

Labcorp Genetics (formerly Invitae), Labcorp
Classification: Uncertain significance for Cohen syndrome. Last evaluated: 2021-07-21. Review status: criteria provided, single submitter. Criteria: Invitae Variant Classification Sherloc (09022015). Collection method: clinical testing. Allele origin: germline.
Comment: In summary, the available evidence is currently insufficient to determine the role of this variant in disease. Therefore, it has been classified as a Variant of Uncertain Significance. Algorithms developed to predict the effect of missense changes on protein structure and function are either unavailable or do not agree on the potential impact of this missense change (SIFT: "Not Available"; PolyPhen-2: "Benign"; Align-GVGD: "Not Available"). This variant has not been reported in the literature in individuals affected with VPS13B-related conditions. This variant is not present in population databases (ExAC no frequency). This sequence change replaces histidine with glutamine at codon 3852 of the VPS13B protein (p.His3852Gln). The histidine residue is moderately conserved and there is a small physicochemical difference between histidine and glutamine.

NM_152564.5(VPS13B):c.11481T>G (p.His3827Gln)

Gene: VPS13B (vacuolar protein sorting 13 homolog B; plus strand). Cytogenetic location: 8q22.2.
Variant type: single nucleotide variant.
Coding change: c.11481T>G on transcript NM_152564.5 (MANE Select); coding-DNA position 11481, T replaced by G.
Protein change: p.His3827Gln; replaces histidine 3827 with glutamine.
Molecular consequence: missense variant.
Genome position (GRCh38, 1-based): chr8:99,870,873, T>G. VCF-style: chr8-99870873-T-G. GRCh37 (hg19) VCF-style: chr8-100883101-T-G.
Other names: c.11556T>G, p.His3852Gln (NM_017890.5); short protein forms H3827Q, H3852Q.
Identifiers: ClinVar variation 1403153 (VCV001403153.8), dbSNP rs2130972661, ClinGen allele CA371793728.